The following is an entry in ClinVar:

NM_005732.4(RAD50):c.2362T>C (p.Cys788Arg)

Gene: RAD50 (RAD50 double strand break repair protein; plus strand). Cytogenetic location: 5q31.1.
Variant type: single nucleotide variant.
Coding change: c.2362T>C on transcript NM_005732.4 (MANE Select); coding-DNA position 2362, T replaced by C.
Protein change: p.Cys788Arg; replaces cysteine 788 with arginine.
Molecular consequence: missense variant.
Genome position (GRCh38, 1-based): chr5:132,603,454, T>C. VCF-style: chr5-132603454-T-C. GRCh37 (hg19) VCF-style: chr5-131939146-T-C.
Other names: short protein forms C788R.
Identifiers: ClinVar variation 2866735 (VCV002866735.3), dbSNP rs2479665149, ClinGen allele CA360954923.

ClinVar aggregate classification (germline): Uncertain significance (1 of 4 stars; one submission).

Conditions:
Hereditary cancer-predisposing syndrome. Also called: Neoplastic Syndromes, Hereditary; Hereditary Cancer Syndrome; Hereditary neoplastic syndrome; Tumor predisposition. Identifiers: Orphanet 140162, MedGen C0027672, MeSH D009386, MONDO:0015356.

Submission:

Labcorp Genetics (formerly Invitae), Labcorp
Classification: Uncertain significance for Hereditary cancer-predisposing syndrome. Last evaluated: 2023-05-21. Review status: criteria provided, single submitter. Criteria: Invitae Variant Classification Sherloc (09022015). Collection method: clinical testing. Allele origin: germline.
Comment: In summary, the available evidence is currently insufficient to determine the role of this variant in disease. Therefore, it has been classified as a Variant of Uncertain Significance. Advanced modeling of protein sequence and biophysical properties (such as structural, functional, and spatial information, amino acid conservation, physicochemical variation, residue mobility, and thermodynamic stability) performed at Invitae indicates that this missense variant is expected to disrupt RAD50 protein function. This sequence change replaces cysteine, which is neutral and slightly polar, with arginine, which is basic and polar, at codon 788 of the RAD50 protein (p.Cys788Arg). This variant is not present in population databases (gnomAD no frequency). This variant has not been reported in the literature in individuals affected with RAD50-related conditions.